The following is an entry in ClinVar:

ClinVar aggregate classification (germline): Likely pathogenic (1 of 4 stars; one submission).

Conditions:
Primary ciliary dyskinesia 5. Also called: CILIARY DYSKINESIA, PRIMARY, 5, WITHOUT SITUS INVERSUS. Identifiers: Orphanet 244, MedGen C1837615, MONDO:0012088, OMIM 608647.

Submission:

Juno Genomics, Hangzhou Juno Genomics, Inc
Classification: Likely pathogenic for Primary ciliary dyskinesia 5. Review status: criteria provided, single submitter. Criteria: ACMG Guidelines, 2015. Collection method: clinical testing. Allele origin: germline. Affected: yes.
Comment: Null variant in a gene where loss of function (LOF) is a known mechanism of disease.;Absent from controls (or at extremely low frequency if recessive) in Genome Aggregation Database, Exome Sequencing Project, 1000 Genomes Project, or Exome Aggregation Consortium.

NM_001270974.2(HYDIN):c.13117_13123delinsT (p.Thr4373_Glu4375delinsTer)

Gene: HYDIN (HYDIN axonemal central pair apparatus protein; minus strand). Cytogenetic location: 16q22.2.
Variant type: Indel.
Coding change: c.13117_13123delinsT on transcript NM_001270974.2 (MANE Select); coding-DNA positions 13117 to 13123, ACATTGG replaced by T.
Protein change: p.Thr4373_Glu4375delinsTer.
Molecular consequence: nonsense.
Genome position (GRCh38, 1-based): chr16:70,837,809-70,837,815, CCAATGT replaced by A on the plus strand (ACATTGG replaced by T on the coding strand, the reverse complement: HYDIN is on the minus strand). VCF-style: chr16-70837809-CCAATGT-A. GRCh37 (hg19) VCF-style: chr16-70871712-CCAATGT-A.
Identifiers: ClinVar variation 3382042 (VCV003382042.2).
Genomic context (GRCh38, chr16:70,837,809, plus strand): 5'-CAAAGGGAATGAGTTCTTGATAGTTGATACTTTCTCGAGGATAAAAAGTTATTGGAATCT[CCAATGT>A]GTTTCCTGGCTTTACCACATCAACACGGGAGTTCACCTCGAGGTGAGTGGTGTTGGTGTA-3'